The following is an entry in ClinVar:

ClinVar aggregate classification (germline): Likely benign. Review status: criteria provided, multiple submitters, no conflicts (2 of 4 stars). 3 submissions from 3 submitters: Likely benign (3). Last evaluated 2025-10-25.

Conditions:
Tuberous sclerosis syndrome (TSC). Also called: Tuberous sclerosis; Tuberous Sclerosis Complex. Identifiers: Orphanet 805, MedGen C0041341, MONDO:0001734.
Tuberous sclerosis 1 (TSC1). Identifiers: Orphanet 805, MedGen C1854465, MONDO:0008612, OMIM 191100.

Allele frequency attached by ClinVar (database versions not stated): gnomAD 0.00007.

Submissions (3):

Labcorp Genetics (formerly Invitae), Labcorp
Classification: Likely benign for Tuberous sclerosis 1. Last evaluated: 2025-10-25. Review status: criteria provided, single submitter. Criteria: Invitae Variant Classification Sherloc (09022015). Collection method: clinical testing. Allele origin: germline.

All of Us Research Program, National Institutes of Health
Classification: Likely benign for Tuberous sclerosis syndrome. Last evaluated: 2023-11-20. Review status: criteria provided, single submitter. Criteria: ACMG Guidelines, 2015. Collection method: clinical testing. Allele origin: germline. Inheritance: Autosomal dominant inheritance. Observed: 3 variant alleles, 3 heterozygotes.
Comment: This study involves interpretation of variants in research participants for the purpose of population health screening. Participant phenotype was not available at the time of variant classification. Additional details can be found in publication PMID: 35346344, PMCID: PMC8962531

Mendelics
Classification: Likely benign for Tuberous sclerosis 1. Last evaluated: 2019-05-28. Review status: criteria provided, single submitter. Criteria: Mendelics Assertion Criteria 2017. Collection method: clinical testing. Allele origin: unknown.

NM_000368.5(TSC1):c.2626-3_2626-2insT

Gene: TSC1 (TSC complex subunit 1; minus strand). Cytogenetic location: 9q34.13.
Variant type: Insertion.
Coding change: c.2626-3_2626-2insT on transcript NM_000368.5 (MANE Select); 3 bases into the intron before coding-DNA position 2626 through the canonical splice acceptor site of the intron before coding-DNA position 2626, T inserted.
Molecular consequence: intron variant.
Genome position: GRCh38 VCF-style: chr9-132897612-T-TA. GRCh37 (hg19) VCF-style: chr9-135772999-T-TA.
Other names: c.2263-3_2263-2insT (NM_001362177.2); c.2473-3_2473-2insT (NM_001162427.2); c.2623-3_2623-2insT (NM_001162426.2).
Identifiers: ClinVar variation 802523 (VCV000802523.7), dbSNP rs760737807, ClinGen allele CA5301758.